The following is an entry in ClinVar:

ClinVar aggregate classification (germline): Uncertain significance. Review status: criteria provided, multiple submitters, no conflicts (2 of 4 stars). 3 submissions from 2 submitters: Uncertain significance (3). Last evaluated 2024-03-09.

Conditions:
Congenital myopathy 2c, severe infantile, autosomal dominant (CMYO2C). Identifiers: MedGen C5830333, MONDO:0859523, OMIM 620278.
Actin accumulation myopathy (CMYO2A). Also called: CONGENITAL MYOPATHY 2A, TYPICAL, AUTOSOMAL DOMINANT; Nemaline myopathy type 3; Myopathy, actin, congenital, with excess of thin myofilaments; Myopathy, actin, congenital, with cores; Nemaline myopathy 3, with intranuclear rods. Identifiers: Orphanet 98904, MedGen C3711389, MONDO:0008070, OMIM 161800.
Progressive scapulohumeroperoneal distal myopathy. Also called: Myopathy, scapulohumeroperoneal. Identifiers: Orphanet 447977, MedGen C4225181, MONDO:0014800, OMIM 616852.

Submissions (3):

Institute of Immunology and Genetics Kaiserslautern
Classification: Uncertain significance for Progressive scapulohumeroperoneal distal myopathy; Actin accumulation myopathy; Congenital myopathy 2c, severe infantile, autosomal dominant. Last evaluated: 2024-03-09. Review status: criteria provided, single submitter. Criteria: ACMG Guidelines, 2015. Collection method: clinical testing. Allele origin: paternal. Affected: yes.
Comment: ACMG Criteria: PM2, PP2, PP3; Variant was found in heterozygous state

Institute of Immunology and Genetics Kaiserslautern
Classification: Uncertain significance for Actin accumulation myopathy. Last evaluated: 2024-02-02. Review status: criteria provided, single submitter. Criteria: ACMG Guidelines, 2015. Collection method: clinical testing. Allele origin: paternal. Affected: yes.
Comment: ACMG Criteria: PM2, PP2, PP3, Variant was found in heterozygous state

Blueprint Genetics
Classification: Uncertain significance. Last evaluated: 2017-10-30. Review status: criteria provided, single submitter. Criteria: ACMG Guidelines, 2015. Collection method: clinical testing. Allele origin: germline.

NM_001100.4(ACTA1):c.954G>C (p.Glu318Asp)

Gene: ACTA1 (actin alpha 1, skeletal muscle; minus strand). Cytogenetic location: 1q42.13.
Variant type: single nucleotide variant.
Coding change: c.954G>C on transcript NM_001100.4 (MANE Select); coding-DNA position 954, G replaced by C.
Protein change: p.Glu318Asp; replaces glutamic acid 318 with aspartic acid.
Molecular consequence: missense variant.
Genome position (GRCh38, 1-based): chr1:229,431,757, C>G on the plus strand (G>C on the coding strand, the complement: ACTA1 is on the minus strand). VCF-style: chr1-229431757-C-G. GRCh37 (hg19) VCF-style: chr1-229567504-C-G.
Other names: short protein forms E318D.
Identifiers: ClinVar variation 2775438 (VCV002775438.3), dbSNP rs2527436089, ClinGen allele CA345145499.
Genomic context (GRCh38, chr1:229,431,757, plus strand): 5'-CAGCCCGCGCAGGCCACCACCCACCTTGATCTTCATGGTGCTGGGTGCCAGCGCGGTGAT[C>G]TCTTTCTGCATGCGGTCAGCGATCCCAGGGTACATCGTGGTGCCCCCCGACATGACGTTG-3'
Protein context (NP_001091.1, residues 308-328): YPGIADRMQK[Glu318Asp]ITALAPSTMK